The following is an entry in ClinVar:

ClinVar aggregate classification (germline): Uncertain significance. Review status: criteria provided, multiple submitters, no conflicts (2 of 4 stars). 2 submissions from 2 submitters: Uncertain significance (2). Last evaluated 2025-09-29.

Conditions:
Inborn genetic diseases. Identifiers: MedGen C0950123, MeSH D030342.
Baller-Gerold syndrome (BGS). Also called: CRANIOSYNOSTOSIS WITH RADIAL DEFECTS. Identifiers: Orphanet 1225, MedGen C0265308, MONDO:0009039, OMIM 218600.

Allele frequency attached by ClinVar (database versions not stated): ExAC 0.00001; gnomAD exomes 0.00001 and 0.00002; TOPMed 0.00002; gnomAD 0.00003.

Submissions (2):

Labcorp Genetics (formerly Invitae), Labcorp
Classification: Uncertain significance for Baller-Gerold syndrome. Last evaluated: 2025-09-29. Review status: criteria provided, single submitter. Criteria: Invitae Variant Classification Sherloc (09022015). Collection method: clinical testing. Allele origin: germline.
Comment: This sequence change replaces arginine, which is basic and polar, with cysteine, which is neutral and slightly polar, at codon 735 of the RECQL4 protein (p.Arg735Cys). This variant is present in population databases (rs760748569, gnomAD 0.02%). This variant has not been reported in the literature in individuals affected with RECQL4-related conditions. ClinVar contains an entry for this variant (Variation ID: 528942). An algorithm developed to predict the effect of missense changes on protein structure and function outputs the following: PolyPhen-2: "Not Available". The cysteine amino acid residue is found in multiple mammalian species, which suggests that this missense change does not adversely affect protein function. In summary, the available evidence is currently insufficient to determine the role of this variant in disease. Therefore, it has been classified as a Variant of Uncertain Significance.

Ambry Genetics
Classification: Uncertain significance for Inborn genetic diseases. Last evaluated: 2024-12-10. Review status: criteria provided, single submitter. Criteria: Ambry Variant Classification Scheme 2023. Collection method: clinical testing. Allele origin: germline.
Comment: The p.R735C variant (also known as c.2203C>T), located in coding exon 14 of the RECQL4 gene, results from a C to T substitution at nucleotide position 2203. The arginine at codon 735 is replaced by cysteine, an amino acid with highly dissimilar properties. This amino acid position is conserved. In addition, this alteration is predicted to be tolerated by in silico analysis. Based on the available evidence, the clinical significance of this variant remains unclear.

NM_004260.4(RECQL4):c.2203C>T (p.Arg735Cys)

Gene: RECQL4 (RecQ like helicase 4; minus strand). Cytogenetic location: 8q24.3.
Variant type: single nucleotide variant.
Coding change: c.2203C>T on transcript NM_004260.4 (MANE Select); coding-DNA position 2203, C replaced by T.
Protein change: p.Arg735Cys; replaces arginine 735 with cysteine.
Molecular consequence: missense variant.
Genome position (GRCh38, 1-based): chr8:144,513,478, G>A on the plus strand (C>T on the coding strand, the complement: RECQL4 is on the minus strand). VCF-style: chr8-144513478-G-A. GRCh37 (hg19) VCF-style: chr8-145738862-G-A.
Other names: short protein forms R735C.
Identifiers: ClinVar variation 528942 (VCV000528942.10), dbSNP rs760748569, ClinGen allele CA4948385.
Genomic context (GRCh38, chr8:144,513,478, plus strand): 5'-GCCGCCGTTCCCGGCTGCACATGCCCGCGTGGTAGGCCTCGGCTGTGGTTTTGGGGGCAC[G>A]ACCTTTGGGGAAGACAGGCAGATGGTCAGTGGGATGGGACCATGTGTGCCCAAGGTGGGT-3'
Protein context (NP_004251.4, residues 725-745): HAAWVPGSGG[Arg735Cys]APKTTAEAYH